The following is an entry in ClinVar:

ClinVar aggregate classification (germline): Conflicting classifications of pathogenicity. Review status: criteria provided, conflicting classifications (1 of 4 stars). 2 submissions from 2 submitters: Uncertain significance (1); Likely benign (1). Last evaluated 2025-08-20.

Conditions:
Hereditary cancer-predisposing syndrome. Also called: Tumor predisposition; Neoplastic Syndromes, Hereditary; Hereditary neoplastic syndrome; Hereditary Cancer Syndrome. Identifiers: Orphanet 140162, MedGen C0027672, MeSH D009386, MONDO:0015356.

Submissions (2):

Labcorp Genetics (formerly Invitae), Labcorp
Classification: Uncertain significance. Last evaluated: 2025-08-20. Review status: criteria provided, single submitter. Criteria: Invitae Variant Classification Sherloc (09022015). Collection method: clinical testing. Allele origin: germline.
Comment: This sequence change replaces alanine, which is neutral and non-polar, with proline, which is neutral and non-polar, at codon 1379 of the POLE protein (p.Ala1379Pro). This variant is not present in population databases (gnomAD no frequency). This variant has not been reported in the literature in individuals affected with POLE-related conditions. ClinVar contains an entry for this variant (Variation ID: 848277). Invitae Evidence Modeling of protein sequence and biophysical properties (such as structural, functional, and spatial information, amino acid conservation, physicochemical variation, residue mobility, and thermodynamic stability) indicates that this missense variant is not expected to disrupt POLE protein function with a negative predictive value of 80%. In summary, the available evidence is currently insufficient to determine the role of this variant in disease. Therefore, it has been classified as a Variant of Uncertain Significance.

Ambry Genetics
Classification: Likely benign for Hereditary cancer-predisposing syndrome. Last evaluated: 2025-04-01. Review status: criteria provided, single submitter. Criteria: Ambry Variant Classification Scheme 2023. Collection method: clinical testing. Allele origin: germline.

NM_006231.4(POLE):c.4135G>C (p.Ala1379Pro)

Gene: POLE (DNA polymerase epsilon, catalytic subunit; minus strand). Cytogenetic location: 12q24.33.
Variant type: single nucleotide variant.
Coding change: c.4135G>C on transcript NM_006231.4 (MANE Select); coding-DNA position 4135, G replaced by C.
Protein change: p.Ala1379Pro; replaces alanine 1379 with proline.
Molecular consequence: missense variant.
Genome position (GRCh38, 1-based): chr12:132,648,943, C>G on the plus strand (G>C on the coding strand, the complement: POLE is on the minus strand). VCF-style: chr12-132648943-C-G. GRCh37 (hg19) VCF-style: chr12-133225529-C-G.
Other names: c.4135G>C (NM_006231.2); short protein forms A1379P.
Identifiers: ClinVar variation 848277 (VCV000848277.10), dbSNP rs1565945249, ClinGen allele CA387383609.